The following is an entry in ClinVar:

ClinVar aggregate classification (germline): Uncertain significance (1 of 4 stars; one submission).

Allele frequency attached by ClinVar (database versions not stated): gnomAD exomes below 0.00001 and 0.00001; ExAC 0.00001.
gnomAD v4.1: 14 of 1,614,106 alleles (0.00087%); highest among the groups gnomAD compares: Admixed American, 0.0017%; no homozygotes.

Submission:

Labcorp Genetics (formerly Invitae), Labcorp
Classification: Uncertain significance. Last evaluated: 2022-06-27. Review status: criteria provided, single submitter. Criteria: Invitae Variant Classification Sherloc (09022015). Collection method: clinical testing. Allele origin: germline.
Comment: This variant is present in population databases (rs755445972, gnomAD 0.003%). In summary, the available evidence is currently insufficient to determine the role of this variant in disease. Therefore, it has been classified as a Variant of Uncertain Significance. Algorithms developed to predict the effect of missense changes on protein structure and function are either unavailable or do not agree on the potential impact of this missense change (SIFT: "Tolerated"; PolyPhen-2: "Possibly Damaging"; Align-GVGD: "Class C0"). This variant has not been reported in the literature in individuals affected with STX3-related conditions. This sequence change replaces glutamine, which is neutral and polar, with histidine, which is basic and polar, at codon 12 of the STX3 protein (p.Gln12His).

NM_004177.5(STX3):c.36G>C (p.Gln12His)

Gene: STX3 (syntaxin 3; plus strand). Cytogenetic location: 11q12.1.
Variant type: single nucleotide variant.
Coding change: c.36G>C on transcript NM_004177.5 (MANE Select); coding-DNA position 36, G replaced by C.
Protein change: p.Gln12His; replaces glutamine 12 with histidine.
Molecular consequence: missense variant.
Genome position (GRCh38, 1-based): chr11:59,773,216, G>C. VCF-style: chr11-59773216-G-C. GRCh37 (hg19) VCF-style: chr11-59540689-G-C.
Other names: c.36G>C, p.Gln12His (NM_001178040.3); short protein forms Q12H.
Identifiers: ClinVar variation 1448434 (VCV001448434.4), dbSNP rs755445972, ClinGen allele CA6020716.